The following is an entry in ClinVar:

NM_000551.4(VHL):c.123_137del (p.38SGPEE[1])

Gene: VHL (von Hippel-Lindau tumor suppressor; plus strand). Cytogenetic location: 3p25.3.
Variant type: Deletion.
Coding change: c.123_137del on transcript NM_000551.4 (MANE Select); coding-DNA positions 123 to 137, 15 bases deleted (AGAGTCCGGCCCGGA).
Protein change: p.38SGPEE[1].
Molecular consequence: inframe deletion.
Genome position (GRCh38, 1-based): chr3:10,141,970-10,141,984, AGAGTCCGGCCCGGA deleted; deleting any 15 consecutive bases within chr3:10,141,956-10,141,984 gives the same sequence; the c. name uses the placement nearest the transcript's 3' end. VCF-style (leftmost placement, unchanged base first): chr3-10141955-GGAGTCCGGCCCGGAA-G. GRCh37 (hg19) VCF-style: chr3-10183639-GGAGTCCGGCCCGGAA-G.
Other names: c.123_137delAGAGTCCGGCCCGGA (NM_000551.3); c.123_137del, p.38SGPEE[1] (NM_001354723.2, NM_198156.3).
Identifiers: ClinVar variation 216870 (VCV000216870.20), dbSNP rs863224839, ClinGen allele CA039321.

ClinVar aggregate classification (germline): Conflicting classifications of pathogenicity. Review status: criteria provided, conflicting classifications (1 of 4 stars). 7 submissions from 7 submitters: Uncertain significance (5); Likely benign (2). Last evaluated 2026-01-19.

Conditions:
Von Hippel-Lindau syndrome (VHLS). Also called: VHL syndrome; von Hippel–Lindau syndrome; Von Hippel-Lindau. Identifiers: Orphanet 892, MedGen C0019562, MONDO:0008667, OMIM 193300. Disease mechanism: loss of function.
Chuvash polycythemia. Also called: POLYCYTHEMIA, VHL-DEPENDENT. Identifiers: Orphanet 238557, MedGen C1837915, MONDO:0009892, OMIM 263400.
Pheochromocytoma. Also called: MAX-Related Hereditary Paraganglioma-Pheochromocytoma Syndrome. Identifiers: Orphanet 29072, MedGen C0031511, MONDO:0008233, OMIM 171300, HP:0002666.
Nonpapillary renal cell carcinoma. Identifiers: Orphanet 422526, MedGen CN074294, MONDO:0007763, OMIM 144700.
Hereditary cancer-predisposing syndrome. Also called: Tumor predisposition; Hereditary Cancer Syndrome; Neoplastic Syndromes, Hereditary; Hereditary neoplastic syndrome. Identifiers: Orphanet 140162, MedGen C0027672, MeSH D009386, MONDO:0015356.

Submissions (7):

Labcorp Genetics (formerly Invitae), Labcorp
Classification: Uncertain significance for Von Hippel-Lindau syndrome; Chuvash polycythemia. Last evaluated: 2026-01-19. Review status: criteria provided, single submitter. Criteria: Invitae Variant Classification Sherloc (09022015). Collection method: clinical testing. Allele origin: germline.
Comment: This variant, c.123_137del, results in the deletion of 5 amino acid(s) of the VHL protein (p.Ser43_Glu47del), but otherwise preserves the integrity of the reading frame. This variant is present in population databases (rs758049121, gnomAD 0.03%). This variant has been observed in individual(s) with von Hippel-Lindau (VHL) disease (PMID: 15300849, 37937776). ClinVar contains an entry for this variant (Variation ID: 216870). Experimental studies and prediction algorithms are not available or were not evaluated, and the functional significance of this variant is currently unknown. In summary, the available evidence is currently insufficient to determine the role of this variant in disease. Therefore, it has been classified as a Variant of Uncertain Significance.

Ambry Genetics
Classification: Uncertain significance for Hereditary cancer-predisposing syndrome. Last evaluated: 2024-12-22. Review status: criteria provided, single submitter. Criteria: Ambry Variant Classification Scheme 2023. Collection method: clinical testing. Allele origin: germline.
Comment: The c.123_137del15 variant (also known as p.E43_P47del) is located in coding exon 1 of the VHL gene. This variant results from an in-frame deletion of 15 nucleotides (AGAGTCCGGCCCGGA) at positions 123 to 137. This results in the in-frame deletion of 5 amino acids (SGPEE) at codons 43 through 47. This alteration has been previously identified in an individual from the French VHL Registry (Gallou C, et al. Hum. Mutat. 2004 Sep;24(3):215-24). However, there is an alternate in-frame methionine 54 amino acids from the primary initiation site in VHL which is reported to result in a biologically active isoform known as VHL19 (Iliopoulos O et al. Proc. Natl. Acad. Sci. U.S.A. 1998 Sep; 95(20):11661-6. Schoenfeld A et al. Proc. Natl. Acad. Sci. U.S.A. 1998 Jul; 95(15):8817-22). The amino acids impacted by the c.123_137del15 alteration are located 5' of this alternative initiation codon and as such their significance is unclear. This amino acid region is not well conserved in available vertebrate species. In addition, this alteration is predicted to be neutral by in silico analysis (Choi Y et al. PLoS ONE. 2012; 7(10):e46688). Based on the available evidence, the clinical significance of this variant remains unclear.

Myriad Genetics, Inc.
Classification: Likely benign for Von Hippel-Lindau syndrome. Last evaluated: 2024-08-07. Review status: criteria provided, single submitter. Criteria: Myriad Autosomal Dominant, Autosomal Recessive and X-Linked Classification Criteria (2023). Collection method: clinical testing. Allele origin: unknown.
Comment: This variant is considered likely benign. This variant has been observed at a population frequency that is significantly greater than expected given the associated disease prevalence and penetrance.

Fulgent Genetics
Classification: Uncertain significance for Nonpapillary renal cell carcinoma; Pheochromocytoma; Von Hippel-Lindau syndrome; Chuvash polycythemia. Last evaluated: 2024-06-21. Review status: criteria provided, single submitter. Criteria: ACMG Guidelines, 2015. Collection method: clinical testing. Allele origin: germline.

Color Diagnostics, LLC DBA Color Health
Classification: Uncertain significance for Von Hippel-Lindau syndrome. Last evaluated: 2024-02-08. Review status: criteria provided, single submitter. Criteria: ACMG Guidelines, 2015. Collection method: clinical testing. Allele origin: germline.
Comment: This variant causes an in-frame deletion of five amino acids from exon 1 of the VHL protein. To our knowledge, functional studies have not been reported for this variant. This variant has been reported in an individual affected with von Hippel-Lindau disease (PMID: 15300849). This variant has been identified in 11/150148 chromosomes in the general population by the Genome Aggregation Database (gnomAD). The available evidence is insufficient to determine the role of this variant in disease conclusively. Therefore, this variant is classified as a Variant of Uncertain Significance.

GeneDx
Classification: Likely benign. Last evaluated: 2021-03-12. Review status: criteria provided, single submitter. Criteria: GeneDx Variant Classification Process June 2021. Collection method: clinical testing. Allele origin: germline. Affected: yes.
Comment: In silico analysis supports that this variant does not alter protein structure/function; This variant is associated with the following publications: (PMID: 15300849)

Mendelics
Classification: Uncertain significance for Von Hippel-Lindau syndrome. Last evaluated: 2019-05-28. Review status: criteria provided, single submitter. Criteria: Mendelics Assertion Criteria 2017. Collection method: clinical testing. Allele origin: unknown.

Literature cited by the submitters: PubMed 15300849 (cited by 3 submitters); PubMed 37937776 (cited by Labcorp Genetics (formerly Invitae), Labcorp).